The following is an entry in ClinVar:

ClinVar aggregate classification (germline): Likely benign (0 of 4 stars; one submission).

Conditions:
GLS-related disorder. Also called: GLS-related condition.

Submission:

PreventionGenetics, part of Exact Sciences
Classification: Likely benign for GLS-related condition. Last evaluated: 2024-06-03. Review status: no assertion criteria provided. Collection method: clinical testing. Allele origin: germline.
Comment: This variant is classified as likely benign based on ACMG/AMP sequence variant interpretation guidelines (Richards et al. 2015 PMID: 25741868, with internal and published modifications).

NM_014905.5(GLS):c.-212GCA[20]

Genes: GLS (glutaminase; plus strand), LOC129935268 (ATAC-STARR-seq lymphoblastoid silent region 12186; plus strand). Cytogenetic location: 2q32.2.
Variant type: Microsatellite.
Coding change: c.-212GCA[20] on transcript NM_014905.5 (MANE Select); 20 copies in a row of the 3-base unit GCA starting at c.-212; the reference has 16 copies in a row; four copies, 12 bases duplicated.
Molecular consequence: 5 prime UTR variant.
Genome position (GRCh38, 1-based): chr2:190,880,909-190,880,920, GCAGCAGCAGCA duplicated; duplicating any 12 consecutive bases within chr2:190,880,873-190,880,920 gives the same sequence; the position shown is the placement nearest the transcript's 3' end. VCF-style (leftmost placement, unchanged base first): chr2-190880872-C-CGCAGCAGCAGCA. GRCh37 (hg19) VCF-style: chr2-191745598-C-CGCAGCAGCAGCA.
Other names: c.-212GCA[20] (NM_001256310.2).
Identifiers: ClinVar variation 3353203 (VCV003353203.1).